The following is an entry in ClinVar:

ClinVar aggregate classification (germline): Likely pathogenic (1 of 4 stars; one submission).

Conditions:
Methylcobalamin deficiency type cblE (HMAE). Also called: HOMOCYSTINURIA-MEGALOBLASTIC ANEMIA, cblE COMPLEMENTATION TYPE; VITAMIN B12-RESPONSIVE HOMOCYSTINURIA, cblE TYPE; HOMOCYSTINURIA-MEGALOBLASTIC ANEMIA, cblE TYPE. Identifiers: Orphanet 2169, Orphanet 622, MedGen C1856057, MONDO:0009354, OMIM 236270.

Submission:

Labcorp Genetics (formerly Invitae), Labcorp
Classification: Likely pathogenic for Methylcobalamin deficiency type cblE. Last evaluated: 2021-05-03. Review status: criteria provided, single submitter. Criteria: Invitae Variant Classification Sherloc (09022015). Collection method: clinical testing. Allele origin: germline.
Comment: In summary, the currently available evidence indicates that the variant is pathogenic, but additional data are needed to prove that conclusively. Therefore, this variant has been classified as Likely Pathogenic. This variant disrupts the p.Ser454 amino acid residue in MTRR. Other variant(s) that disrupt this residue have been determined to be pathogenic (PMID: 12971424, 22887477, 25978498). This suggests that this residue is clinically significant, and that variants that disrupt this residue are likely to be disease-causing. This variant has not been reported in the literature in individuals with MTRR-related conditions. This variant is a gross deletion of the genomic region encompassing exon(s) 9-14 of the MTRR gene. While this deletion is not anticipated to lead to nonsense mediated decay, it is expected to disrupt the C-terminus of the protein.

Literature cited by the submitters: PubMed 12971424; PubMed 22887477; PubMed 25978498.

NC_000005.9:g.(?_7889198)_(7897370_?)del

Gene: MTRR (5-methyltetrahydrofolate-homocysteine methyltransferase reductase; plus strand). Cytogenetic location: 5p15.31.
Variant type: Deletion.
Identifiers: ClinVar variation 1507547 (VCV001507547.7).